The following is an entry in ClinVar:

ClinVar aggregate classification (germline): Uncertain significance (1 of 4 stars; one submission).

Submission:

Ambry Genetics
Classification: Uncertain significance. Last evaluated: 2022-05-12. Review status: criteria provided, single submitter. Criteria: Ambry Variant Classification Scheme 2023. Collection method: clinical testing. Allele origin: germline.
Comment: The c.999delA variant, located in coding exon 5 of the GALNT12 gene, results from a deletion of one nucleotide at nucleotide position 999, causing a translational frameshift with a predicted alternate stop codon (p.V334Ffs*77). This alteration is expected to result in premature protein truncation or nonsense-mediated mRNA decay. However, the evidence for this gene-disease relationship is limited; therefore, the clinical significance of this alteration is unclear.

NM_024642.5(GALNT12):c.999del (p.Val334fs)

Gene: GALNT12 (polypeptide N-acetylgalactosaminyltransferase 12; plus strand). Cytogenetic location: 9q22.33.
Variant type: Deletion.
Coding change: c.999del on transcript NM_024642.5 (MANE Select); coding-DNA position 999, one base deleted (A; older notation c.999delA).
Protein change: p.Val334fs; shifts the reading frame from valine 334.
Molecular consequence: frameshift variant.
Genome position (GRCh38, 1-based): chr9:98,835,330, A deleted; the last of 2 consecutive A bases (chr9:98,835,329-98,835,330); deleting either gives the same sequence. VCF-style (leftmost placement, unchanged base first): chr9-98835328-GA-G. GRCh37 (hg19) VCF-style: chr9-101597610-GA-G.
Other names: short protein forms V334fs.
Identifiers: ClinVar variation 1768856 (VCV001768856.2), dbSNP rs769786951, ClinGen allele CA5154129.